The following is an entry in ClinVar:

ClinVar aggregate classification (germline): Likely pathogenic (1 of 4 stars; one submission).

Conditions:
Marfan syndrome (MFS). Also called: FBN1-Related Marfan Syndrome; MARFAN SYNDROME, TYPE I; Marfan syndrome type 1; Marfan's syndrome; Marfan syndrome, classic. Identifiers: Orphanet 284963, Orphanet 558, MedGen C0024796, MONDO:0007947, OMIM 154700.
Familial thoracic aortic aneurysm and aortic dissection (TAAD). Also called: Thoracic aortic aneurysms and dissections. Identifiers: Orphanet 91387, MedGen C4707243, MONDO:0019625.

Submission:

Labcorp Genetics (formerly Invitae), Labcorp
Classification: Likely pathogenic for Marfan syndrome; Familial thoracic aortic aneurysm and aortic dissection. Last evaluated: 2020-01-08. Review status: criteria provided, single submitter. Criteria: Invitae Variant Classification Sherloc (09022015). Collection method: clinical testing. Allele origin: germline.
Comment: This sequence change affects a donor splice site in intron 64 of the FBN1 gene. It is expected to disrupt RNA splicing and likely results in an absent or disrupted protein product. In summary, the currently available evidence indicates that the variant is pathogenic, but additional data are needed to prove that conclusively. Therefore, this variant has been classified as Likely Pathogenic. Donor and acceptor splice site variants typically lead to a loss of protein function (PMID: 16199547), and loss-of-function variants in FBN1 are known to be pathogenic (PMID: 17657824, 19293843). Algorithms developed to predict the effect of sequence changes on RNA splicing suggest that this variant may disrupt the consensus splice site, but this prediction has not been confirmed by published transcriptional studies. This variant has not been reported in the literature in individuals with FBN1-related conditions. This variant is not present in population databases (ExAC no frequency).

Literature cited by the submitters: PubMed 16199547; PubMed 17657824; PubMed 19293843.

NM_000138.5(FBN1):c.8051+2T>A

Gene: FBN1 (fibrillin 1; minus strand). Cytogenetic location: 15q21.1.
Variant type: single nucleotide variant.
Coding change: c.8051+2T>A on transcript NM_000138.5 (MANE Select); the canonical splice donor site of the intron after coding-DNA position 8051, T replaced by A.
Molecular consequence: splice donor variant.
Genome position (GRCh38, 1-based): chr15:48,415,534, A>T on the plus strand (T>A on the coding strand, the complement: FBN1 is on the minus strand). VCF-style: chr15-48415534-A-T. GRCh37 (hg19) VCF-style: chr15-48707731-A-T.
Other names: c.8051+2T>A (NM_001406716.1).
Identifiers: ClinVar variation 1066229 (VCV001066229.8), dbSNP rs2141214505, ClinGen allele CA392322455.